The following is an entry in ClinVar:

ClinVar aggregate classification (germline): Uncertain significance (1 of 4 stars; one submission).

gnomAD v4.1: 26 of 1,613,994 alleles (0.0016%); highest among the groups gnomAD compares: African/African-American, 0.004%; no homozygotes.

Submission:

GeneDx
Classification: Uncertain significance. Last evaluated: 2024-07-22. Review status: criteria provided, single submitter. Criteria: GeneDx Variant Classification Process June 2021. Collection method: clinical testing. Allele origin: germline. Affected: yes.
Comment: Not observed at significant frequency in large population cohorts (gnomAD); In silico analysis indicates that this missense variant does not alter protein structure/function; Has not been previously published as pathogenic or benign to our knowledge

NM_001291303.3(FAT4):c.10396G>A (p.Val3466Ile)

Gene: FAT4 (FAT atypical cadherin 4; plus strand). Cytogenetic location: 4q28.1.
Variant type: single nucleotide variant.
Coding change: c.10396G>A on transcript NM_001291303.3 (MANE Select); coding-DNA position 10396, G replaced by A.
Protein change: p.Val3466Ile; replaces valine 3466 with isoleucine.
Molecular consequence: missense variant.
Genome position (GRCh38, 1-based): chr4:125,451,406, G>A. VCF-style: chr4-125451406-G-A. GRCh37 (hg19) VCF-style: chr4-126372561-G-A.
Other names: c.10396G>A, p.Val3466Ile (NM_001291285.3); c.10390G>A, p.Val3464Ile (NM_024582.6); short protein forms V3464I, V3466I.
Identifiers: ClinVar variation 3600750 (VCV003600750.1).